The following continues an entry in ClinVar:

NM_007194.4(CHEK2):c.538C>T (p.Arg180Cys)

Gene: CHEK2. ClinVar aggregate classification (germline): Conflicting classifications of pathogenicity. Uncertain significance (11); Benign (6); Likely benign (8).

Submissions 21 to 28 of 28:

Women's Health and Genetics/Laboratory Corporation of America, LabCorp
Classification: Likely benign. Last evaluated: 2016-08-08. Review status: criteria provided, single submitter. Criteria: LabCorp Variant Classification Summary - May 2015. Collection method: clinical testing. Allele origin: germline.
Comment: Variant summary: The CHEK2 c.538C>T (p.Arg180Cys) variant involves the alteration of a conserved nucleotide. 3/4 in silico tools predict a damaging outcome for this variant (SNPs&GO not captured due to low reliability index). This variant was found in 168/123378 control chromosomes, predominantly observed in the East Asian subpopulation at a frequency of 0.0040472 (35/8648). This frequency is about 142 times the estimated maximal expected allele frequency of a pathogenic CHEK2 variant (0.0000284), suggesting this is likely a benign polymorphism found primarily in the populations of East Asian origin. The variant has been reported in numerous affected individuals in the literature including breast and prostate cancer patients, however no co-segregation and limited co-occurrence data is provided by these studies. In addition, the variant is also reported in unaffected controls in these studies, suggesting the variant is not causitive in these populations. In a yeast-based functional assay, the variant had an intermediate response to DNA damage (Roeb_2012). Multiple clinical diagnostic laboratories/reputable databases classified this variant as a VUS while one has classified it as likely benign. Taken together, this variant is classified as likely benign.

Ambry Genetics
Classification: Benign for Hereditary cancer-predisposing syndrome. Last evaluated: 2016-07-26. Review status: criteria provided, single submitter. Criteria: Ambry Variant Classification Scheme 2023. Collection method: clinical testing. Allele origin: germline.

Genetic Services Laboratory, University of Chicago
Classification: Uncertain significance. Last evaluated: 2016-07-18. Review status: criteria provided, single submitter. Criteria: ACMG Guidelines, 2015. Collection method: clinical testing. Allele origin: germline. Affected: no.

Soonchunhyang University Bucheon Hospital, Soonchunhyang University Medical Center
Classification: Uncertain significance for Familial prostate cancer. Last evaluated: 2016-03-18. Review status: criteria provided, single submitter. Criteria: ACMG Guidelines, 2015. Collection method: reference population. Allele origin: germline. Observed: 1 variant allele.

Color Diagnostics, LLC DBA Color Health
Classification: Benign for Hereditary cancer-predisposing syndrome. Last evaluated: 2016-02-11. Review status: criteria provided, single submitter. Criteria: ACMG Guidelines, 2015. Collection method: clinical testing. Allele origin: germline.

PreventionGenetics, part of Exact Sciences
Classification: Likely benign for CHEK2-related condition. Last evaluated: 2023-03-28. Review status: no assertion criteria provided. Collection method: clinical testing. Allele origin: germline. Not counted in ClinVar's aggregate classification.
Comment: This variant is classified as likely benign based on ACMG/AMP sequence variant interpretation guidelines (Richards et al. 2015 PMID: 25741868, with internal and published modifications).

Counsyl
Classification: Uncertain significance for Familial cancer of breast. Last evaluated: 2016-07-06. Review status: no assertion criteria provided. Collection method: clinical testing. Allele origin: unknown. Not counted in ClinVar's aggregate classification.

Department of Pathology and Laboratory Medicine, Sinai Health System
Classification: Uncertain significance. Review status: no assertion criteria provided. Collection method: clinical testing. Allele origin: unknown. Affected: yes. Study: The Canadian Open Genetics Repository (COGR). Not counted in ClinVar's aggregate classification.
Comment: The CHEK2 p.Arg180Cys variant was identified in 172 of 93852 proband chromosomes (frequency: 0.002) from individuals or families with hereditary breast and ovarian cancer, prostate cancer and Lynch syndrome and was present in 147 of 89446 control chromosomes (frequency: 0.002) from healthy individuals (Dong 2003, Dufault 2004, Kleibl 2008, Laitman 2007, Mohamad 2015, Mohelnikova Duchonova 2010, Ng 2016, Southey 2016, Yurgelun 2015). The variant was also identified in dbSNP (ID: rs77130927) as â€šÃ„ÃºWith other alleleâ€šÃ„Ã¹, ClinVar (classified as benign by Color Genomics, Ambry Genetics, and Mendelics Analise Genomica; as likely benign by Invitae and Integrated Genetics; and as uncertain significance by GeneDx, Counsyl, and 4 other submitters). The variant was identified in control databases in 261 of 277166 chromosomes at a frequency of 0.0009, increasing the likelihood this could be a low frequency benign variant (Genome Aggregation Database Feb 27, 2017). The variant was observed in the following populations: African in 14 of 24018 chromosomes (freq: 0.0006), Other in 6 of 6468 chromosomes (freq: 0.0009), Latino in 2 of 34420 chromosomes (freq: 0.00006), European (Non-Finnish) in 153 of 126674 chromosomes (freq: 0.001), Ashkenazi Jewish in 2 of 10152 chromosomes (freq: 0.0002), East Asian in 58 of 18866 chromosomes (freq: 0.003), European (Finnish) in 5 of 25788 chromosomes (freq: 0.0002), and South Asian in 21 of 30780 chromosomes (freq: 0.0007). In a functional yeast assay, the response of the p.Arg180Cys CHEK2 variant to DNA damage was found to be decreased to 0.64 of wild type (1.00; Roeb 2012). A large study of the Breast Cancer Association Consortium found an association with breast cancer risk to be 1.33 odds ratio (Southey 2016). The p.Arg180 residue is conserved in in mammals but not in more distantly related organisms however computational analyses (PolyPhen-2, SIFT, AlignGVGD, BLOSUM, MutationTaster) do not suggest a high likelihood of impact to the protein; this information is not predictive enough to rule out pathogenicity. The variant occurs outside of the splicing consensus sequence and in silico or computational prediction software programs (SpliceSiteFinder, MaxEntScan, NNSPLICE, GeneSplicer) do not predict a difference in splicing. In summary, based on the above information, the clinical significance of this variant cannot be determined with certainty at this time. This variant is classified as a variant of uncertain significance.

Literature cited by the submitters: PubMed 22419737 (cited by 5 submitters); PubMed 30851065 (cited by Center for Genomic Medicine, Rigshospitalet, Copenhagen University Hospital and Quest Diagnostics Nichols Institute San Juan Capistrano); PubMed 19782031 (cited by Quest Diagnostics Nichols Institute San Juan Capistrano and Ambry Genetics); PubMed 33326660 (cited by Quest Diagnostics Nichols Institute San Juan Capistrano); PubMed 33803639 (cited by Quest Diagnostics Nichols Institute San Juan Capistrano); PubMed 28580595 (cited by Quest Diagnostics Nichols Institute San Juan Capistrano); PubMed 28553140 (cited by Quest Diagnostics Nichols Institute San Juan Capistrano); PubMed 30287823 (cited by Quest Diagnostics Nichols Institute San Juan Capistrano); PubMed 29747023 (cited by Quest Diagnostics Nichols Institute San Juan Capistrano); PubMed 28452373 (cited by Quest Diagnostics Nichols Institute San Juan Capistrano); PubMed 29879026 (cited by Quest Diagnostics Nichols Institute San Juan Capistrano); PubMed 39492681 (cited by Quest Diagnostics Nichols Institute San Juan Capistrano); PubMed 39642869 (cited by Quest Diagnostics Nichols Institute San Juan Capistrano); PubMed 34903604 (cited by Quest Diagnostics Nichols Institute San Juan Capistrano); PubMed 39594831 (cited by Quest Diagnostics Nichols Institute San Juan Capistrano); PubMed 39333105 (cited by Quest Diagnostics Nichols Institute San Juan Capistrano); PubMed 39198403 (cited by Quest Diagnostics Nichols Institute San Juan Capistrano); PubMed 39077936 (cited by Quest Diagnostics Nichols Institute San Juan Capistrano); PubMed 37449874 (cited by Quest Diagnostics Nichols Institute San Juan Capistrano and Mayo Clinic Laboratories, Mayo Clinic); PubMed 31050813 (cited by Quest Diagnostics Nichols Institute San Juan Capistrano); PubMed 33309985 (cited by Quest Diagnostics Nichols Institute San Juan Capistrano); PubMed 32906215 (cited by Quest Diagnostics Nichols Institute San Juan Capistrano); PubMed 30826992 (cited by Quest Diagnostics Nichols Institute San Juan Capistrano); PubMed 25525159 (cited by Quest Diagnostics Nichols Institute San Juan Capistrano and Counsyl); PubMed 15095295 (cited by 3 submitters); PubMed 18996005 (cited by Quest Diagnostics Nichols Institute San Juan Capistrano and Counsyl); PubMed 12533788 (cited by 5 submitters); PubMed 21618645 (cited by 3 submitters); PubMed 22995991 (cited by Quest Diagnostics Nichols Institute San Juan Capistrano); PubMed 27153395 (cited by Quest Diagnostics Nichols Institute San Juan Capistrano); PubMed 26757417 (cited by Quest Diagnostics Nichols Institute San Juan Capistrano); PubMed 18085035 (cited by Quest Diagnostics Nichols Institute San Juan Capistrano); PubMed 25629968 (cited by 3 submitters); PubMed 27595995 (cited by Quest Diagnostics Nichols Institute San Juan Capistrano); PubMed 20643596 (cited by Quest Diagnostics Nichols Institute San Juan Capistrano); PubMed 21744992 (cited by Quest Diagnostics Nichols Institute San Juan Capistrano); PubMed 25980754 (cited by Quest Diagnostics Nichols Institute San Juan Capistrano); PubMed 39146382 (cited by Mayo Clinic Laboratories, Mayo Clinic); PubMed 25085752 (cited by Myriad Genetics, Inc.); PubMed 24549055 (cited by Counsyl).